The following is an entry in ClinVar:

ClinVar aggregate classification (germline): Benign (1 of 4 stars; one submission).

Conditions:
Leigh syndrome (NULS). Also called: Leigh's necrotizing encephalopathy; Leigh's disease; Leigh Syndrome (mtDNA deletion); Leigh Disease; Subacute necrotizing encephalopathy; Necrotizing encephalopathy infantile subacute of Leigh. Identifiers: Orphanet 506, MedGen C2931891, MONDO:0009723, OMIM 256000.

Submission:

Wong Mito Lab, Molecular and Human Genetics, Baylor College of Medicine
Classification: Benign for Leigh syndrome. Last evaluated: 2019-10-17. Review status: criteria provided, single submitter. Criteria: Modified ACMG Guidelines (Unpublished). Collection method: clinical testing. Allele origin: germline.
Comment: The NC_012920.1:m.10320G>A (YP_003024033.1:p.Val88Ile) variant in MTND3 gene is interpretated to be a Benign variant based on the modified ACMG guidelines (unpublished). This variant meets the following evidence codes: BA1

NC_012920.1(MT-ND3):m.10320G>A

Gene: MT-ND3 (mitochondrially encoded NADH dehydrogenase 3; plus strand).
Variant type: single nucleotide variant.
Genome position: chrM-10320-G-A.
Identifiers: ClinVar variation 693277 (VCV000693277.1), dbSNP rs28358276, ClinGen allele CA414805010.